The following is an entry in ClinVar:

NM_001366145.2(TRPM3):c.1951C>T (p.Leu651Phe)

Gene: TRPM3 (transient receptor potential cation channel subfamily M member 3; minus strand). Cytogenetic location: 9q21.12.
Variant type: single nucleotide variant.
Coding change: c.1951C>T on transcript NM_001366145.2 (MANE Select); coding-DNA position 1951, C replaced by T.
Protein change: p.Leu651Phe; replaces leucine 651 with phenylalanine.
Molecular consequence: missense variant.
Genome position (GRCh38, 1-based): chr9:70,620,254, G>A on the plus strand (C>T on the coding strand, the complement: TRPM3 is on the minus strand). VCF-style: chr9-70620254-G-A. GRCh37 (hg19) VCF-style: chr9-73235170-G-A.
Other names: c.1915C>T, p.Leu639Phe (NM_001007471.4, NM_001366151.2); c.1921C>T, p.Leu641Phe (NM_001366141.2, NM_001366143.2, NM_001366149.2); c.1957C>T, p.Leu653Phe (NM_001366142.2); c.1951C>T, p.Leu651Phe (NM_001366146.2); c.2026C>T, p.Leu676Phe (NM_001366147.2, NM_001366152.2); c.1996C>T, p.Leu666Phe (NM_001366148.2); c.1885C>T, p.Leu629Phe (NM_001366150.2); c.1492C>T, p.Leu498Phe (NM_001366154.2, NM_024971.7); and 5 more; short protein forms L476F, L486F, L488F, L498F, L501F, L511F, L629F, L639F.
Identifiers: ClinVar variation 4083339 (VCV004083339.1).

ClinVar aggregate classification (germline): Uncertain significance (1 of 4 stars; one submission).

Submission:

GeneDx
Classification: Uncertain significance. Last evaluated: 2025-03-13. Review status: criteria provided, single submitter. Criteria: GeneDx Variant Classification Process June 2021. Collection method: clinical testing. Allele origin: germline. Affected: yes.
Comment: Not observed at significant frequency in large population cohorts (gnomAD); In silico analysis supports that this missense variant has a deleterious effect on protein structure/function; Has not been previously published as pathogenic or benign to our knowledge